The following is an entry in ClinVar:

ClinVar aggregate classification (germline): Uncertain significance (1 of 4 stars; one submission).

Conditions:
Childhood-onset motor and cognitive regression syndrome with extrapyramidal movement disorder. Also called: NEURODEGENERATION, CHILDHOOD-ONSET, WITH BRAIN ATROPHY. Identifiers: Orphanet 500180, MedGen C4540086, MONDO:0044701, OMIM 617672.

Submission:

Centre for Mendelian Genomics, University Medical Centre Ljubljana
Classification: Uncertain significance for Childhood-onset motor and cognitive regression syndrome with extrapyramidal movement disorder. Last evaluated: 2019-05-09. Review status: criteria provided, single submitter. Criteria: ACMG Guidelines, 2015. Collection method: clinical testing. Allele origin: unknown. Affected: yes.
Comment: This variant was classified as: Uncertain significance. The available evidence on this variant's pathogenicity is insufficient or conflicting. The following ACMG criteria were applied in classifying this variant: PM2,BP4.

NM_014233.4(UBTF):c.2213A>G (p.Asp738Gly)

Genes: ATXN7L3-AS1 (ATXN7L3 antisense RNA 1; plus strand), UBTF (upstream binding transcription factor; minus strand). Cytogenetic location: 17q21.31.
Variant type: single nucleotide variant.
Coding change: c.2213A>G on transcript NM_014233.4 (MANE Select); coding-DNA position 2213, A replaced by G.
Protein change: p.Asp738Gly; replaces aspartic acid 738 with glycine.
Molecular consequence: missense variant. On other transcripts: non-coding transcript variant (1).
Genome position (GRCh38, 1-based): chr17:44,207,324, T>C on the plus strand (A>G on the coding strand, the complement: UBTF is on the minus strand). VCF-style: chr17-44207324-T-C. GRCh37 (hg19) VCF-style: chr17-42284692-T-C.
Other names: c.2102A>G, p.Asp701Gly (NM_001076683.2, NM_001076684.3); short protein forms D701G, D738G.
Identifiers: ClinVar variation 932034 (VCV000932034.3), dbSNP rs2056307553, ClinGen allele CA399753424.